The following is an entry in ClinVar:

ClinVar aggregate classification (germline): Uncertain significance (1 of 4 stars; one submission).

Conditions:
Inborn genetic diseases. Identifiers: MedGen C0950123, MeSH D030342.

Submission:

Ambry Genetics
Classification: Uncertain significance for Inborn genetic diseases. Last evaluated: 2021-09-17. Review status: criteria provided, single submitter. Criteria: Ambry Variant Classification Scheme 2023. Collection method: clinical testing. Allele origin: germline.
Comment: The p.V531L variant (also known as c.1591G>C), located in coding exon 7 of the ATR gene, results from a G to C substitution at nucleotide position 1591. The valine at codon 531 is replaced by leucine, an amino acid with highly similar properties. This amino acid position is conserved. In addition, this alteration is predicted to be tolerated by in silico analysis. Since supporting evidence is limited at this time, the clinical significance of this alteration remains unclear.

NM_001184.4(ATR):c.1591G>C (p.Val531Leu)

Gene: ATR (ATR checkpoint kinase; minus strand). Cytogenetic location: 3q23.
Variant type: single nucleotide variant.
Coding change: c.1591G>C on transcript NM_001184.4 (MANE Select); coding-DNA position 1591, G replaced by C.
Protein change: p.Val531Leu; replaces valine 531 with leucine.
Molecular consequence: missense variant.
Genome position (GRCh38, 1-based): chr3:142,559,392, C>G on the plus strand (G>C on the coding strand, the complement: ATR is on the minus strand). VCF-style: chr3-142559392-C-G. GRCh37 (hg19) VCF-style: chr3-142278234-C-G.
Other names: c.1399G>C, p.Val467Leu (NM_001354579.2); short protein forms V467L, V531L.
Identifiers: ClinVar variation 1775932 (VCV001775932.2), dbSNP rs2108480282, ClinGen allele CA354822380.
Genomic context (GRCh38, chr3:142,559,392, plus strand): 5'-ACAAACTTCTACAGCTCTTAAGCACTTTTGTGTAAAAATCCAATGACATCCAAGTTATCA[C>G]TACAGAAGGTTTCTTCTTGGATTTATGTTGACAGTCCTTGAAAGTACGGCTGCAGTAAGT-3'
Protein context (NP_001175.2, residues 521-541): QHKSKKKPSV[Val531Leu]ITWMSLDFYT